The following is an entry in ClinVar:

NM_007294.4(BRCA1):c.2777C>T (p.Thr926Ile)

Gene: BRCA1 (BRCA1 DNA repair associated; minus strand). Cytogenetic location: 17q21.31.
Variant type: single nucleotide variant.
Coding change: c.2777C>T on transcript NM_007294.4 (MANE Select); coding-DNA position 2777, C replaced by T.
Protein change: p.Thr926Ile; replaces threonine 926 with isoleucine.
Molecular consequence: missense variant. On other transcripts: intron variant (137).
Genome position (GRCh38, 1-based): chr17:43,092,754, G>A on the plus strand (C>T on the coding strand, the complement: BRCA1 is on the minus strand). VCF-style: chr17-43092754-G-A. GRCh37 (hg19) VCF-style: chr17-41244771-G-A.
Other names: c.2777C>T, p.Thr926Ile (NM_001407585.1, NM_001407593.1, NM_001407594.1 and 30 more transcripts); c.785-1722C>T (NM_001408399.1, NM_001407984.1, NM_001408398.1 and 13 more transcripts); c.665-1722C>T (NM_001408443.1, NM_001408439.1, NM_001408425.1 and 12 more transcripts); c.2774C>T, p.Thr925Ile (NM_001407590.1, NM_001407587.1, NM_001407591.1 and 22 more transcripts); c.671-1722C>T (NM_001408419.1, NM_001408422.1, NM_001408418.1 and 2 more transcripts); c.788-1722C>T (NM_001408403.1, NM_001407983.1, NM_001407975.1 and 17 more transcripts); c.791-1731C>T (NM_001408406.1); c.647-1722C>T (NM_001408456.1, NM_001408410.1, NM_001408458.1 and 11 more transcripts); and 41 more; short protein forms T798I, T815I, T837I, T838I, T856I, T879I, T925I, T814I.
Identifiers: ClinVar variation 3634663 (VCV003634663.2).
Genomic context (GRCh38, chr17:43,092,754, plus strand): 5'-ATACTACATTTGGCATTATCAACTGGCTTATCTTTCTGACCAACCACAGGAAAGCCTGCA[G>A]TGATATTAACTGTCTGTACAGGCTTGATATTAGACTCATTCTTTCCTTGATTTTCTTCCT-3'
Protein context (NP_009225.1, residues 916-936): NIKPVQTVNI[Thr926Ile]AGFPVVGQKD

ClinVar aggregate classification (germline): Uncertain significance (1 of 4 stars; one submission).

Conditions:
Hereditary breast ovarian cancer syndrome. Also called: Hereditary breast and ovarian cancer syndrome; Hereditary breast and ovarian cancer syndrome (HBOC); BRCA1- and BRCA2-Associated Hereditary Breast and Ovarian Cancer; Hereditary breast and ovarian cancer; Breast and ovarian cancer; Hereditary breast and/or ovarian cancer syndrome. Identifiers: Orphanet 145, MedGen C0677776, MeSH D061325, MONDO:0003582. Disease mechanism: loss of function.

Submission:

Labcorp Genetics (formerly Invitae), Labcorp
Classification: Uncertain significance for Hereditary breast ovarian cancer syndrome. Last evaluated: 2024-08-12. Review status: criteria provided, single submitter. Criteria: Invitae Variant Classification Sherloc (09022015). Collection method: clinical testing. Allele origin: germline.
Comment: This sequence change replaces threonine, which is neutral and polar, with isoleucine, which is neutral and non-polar, at codon 926 of the BRCA1 protein (p.Thr926Ile). This variant is not present in population databases (gnomAD no frequency). This variant has not been reported in the literature in individuals affected with BRCA1-related conditions. Advanced modeling of protein sequence and biophysical properties (such as structural, functional, and spatial information, amino acid conservation, physicochemical variation, residue mobility, and thermodynamic stability) performed at Invitae indicates that this missense variant is not expected to disrupt BRCA1 protein function with a negative predictive value of 95%. In summary, the available evidence is currently insufficient to determine the role of this variant in disease. Therefore, it has been classified as a Variant of Uncertain Significance.